The following is an entry in ClinVar:

NM_139057.4(ADAMTS17):c.638dup (p.Arg214fs)

Gene: ADAMTS17 (ADAM metallopeptidase with thrombospondin type 1 motif 17; minus strand). Cytogenetic location: 15q26.3.
Variant type: Duplication.
Coding change: c.638dup on transcript NM_139057.4 (MANE Select); coding-DNA position 638, one base duplicated (G; older notation c.638dupG).
Protein change: p.Arg214fs; shifts the reading frame from arginine 214.
Molecular consequence: frameshift variant.
Genome position (GRCh38, 1-based): chr15:100,281,380, C duplicated on the plus strand (G on the coding strand, the reverse complement: ADAMTS17 is on the minus strand); the first of 4 consecutive C bases (chr15:100,281,380-100,281,383); duplicating any one gives the same sequence. VCF-style (leftmost placement, unchanged base first): chr15-100281379-G-GC. GRCh37 (hg19) VCF-style: chr15-100821584-G-GC.
Other names: short protein forms R214fs.
Identifiers: ClinVar variation 3659563 (VCV003659563.2).

ClinVar aggregate classification (germline): Pathogenic (1 of 4 stars; one submission).

Submission:

Labcorp Genetics (formerly Invitae), Labcorp
Classification: Pathogenic. Last evaluated: 2024-07-15. Review status: criteria provided, single submitter. Criteria: Invitae Variant Classification Sherloc (09022015). Collection method: clinical testing. Allele origin: germline.
Comment: This sequence change creates a premature translational stop signal (p.Arg214Glnfs*63) in the ADAMTS17 gene. It is expected to result in an absent or disrupted protein product. Loss-of-function variants in ADAMTS17 are known to be pathogenic (PMID: 19836009, 24940034). This variant is not present in population databases (gnomAD no frequency). This variant has not been reported in the literature in individuals affected with ADAMTS17-related conditions. For these reasons, this variant has been classified as Pathogenic.

Literature cited by the submitters: PubMed 19836009; PubMed 24940034.